The following is an entry in ClinVar:

ClinVar aggregate classification (germline): Uncertain significance. Review status: criteria provided, multiple submitters, no conflicts (2 of 4 stars). 2 submissions from 2 submitters: Uncertain significance (2). Last evaluated 2025-05-30.

Conditions:
Malignant hyperthermia, susceptibility to, 1 (MHS1). Also called: RYR1-Related Malignant Hyperthermia Susceptibility; Malignant hyperthermia suceptibility 1; Anesthesia related hyperthermia; Malignant hyperpyrexia; Fulminating hyperpyrexia; Pharmacogenic myopathy. Identifiers: Orphanet 423, MedGen C2930980, MONDO:0007783, OMIM 145600.

Allele frequency attached by ClinVar (database versions not stated): TOPMed 0.00001.

Submissions (2):

Color Diagnostics, LLC DBA Color Health
Classification: Uncertain significance for Malignant hyperthermia, susceptibility to, 1. Last evaluated: 2025-05-30. Review status: criteria provided, single submitter. Criteria: ACMG Guidelines, 2015. Collection method: clinical testing. Allele origin: germline.
Comment: This variant synonymous variant in the RYR1 gene is predicted to affect RNA splicing. To our knowledge, functional studies have not been reported for this variant. This variant has not been reported in individuals affected with RYR1-related disorders in the literature. This variant has not been identified in the general population by the Genome Aggregation Database (gnomAD). The available evidence is insufficient to determine the role of this variant in disease conclusively. Therefore, this variant is classified as a Variant of Uncertain Significance.

Eurofins Ntd Llc (ga)
Classification: Uncertain significance. Last evaluated: 2014-09-05. Review status: criteria provided, single submitter. Criteria: EGL Classification Definitions 2015. Collection method: clinical testing. Allele origin: germline. Observed: 1 variant allele, 1 heterozygote.

NM_000540.3(RYR1):c.13851A>G (p.Gly4617=)

Gene: RYR1 (ryanodine receptor 1; plus strand). Cytogenetic location: 19q13.2.
Variant type: single nucleotide variant.
Coding change: c.13851A>G on transcript NM_000540.3 (MANE Select); coding-DNA position 13851, A replaced by G.
Protein change: p.Gly4617=; no amino-acid change (glycine 4617 retained).
Molecular consequence: synonymous variant.
Genome position (GRCh38, 1-based): chr19:38,572,123, A>G. VCF-style: chr19-38572123-A-G. GRCh37 (hg19) VCF-style: chr19-39062763-A-G.
Other names: c.13836A>G, p.Gly4612= (NM_001042723.2).
Identifiers: ClinVar variation 199233 (VCV000199233.6), dbSNP rs794727989, ClinGen allele CA024072.
Genomic context (GRCh38, chr19:38,572,123, plus strand): 5'-TGCTGGGGATGTGTCAGGTGCAGGCTCTGGTGGCAGCTCTGGCTGGGGCTTGGGGGCCGG[A>G]GAGGAGGCAGAGGGCGATGAGGATGAGAACATGGTGTACTACTTCCTGGAGGAAAGCACA-3'
Protein context (NP_000531.2, residues 4607-4627): GGSSGWGLGA[Gly4617=]EEAEGDEDEN